The following is an entry in ClinVar:

ClinVar aggregate classification (germline): Uncertain significance (1 of 4 stars; one submission).

Conditions:
Autosomal dominant hypocalcemia 1 (HYPOC1). Also called: HYPOCALCEMIA, FAMILIAL. Identifiers: MedGen C3715128, MONDO:0011013, OMIM 601198.
Familial hypocalciuric hypercalcemia (FHH). Also called: Familial benign hypercalcemia. Identifiers: Orphanet 405, MedGen C1809471, MONDO:0018458.

Submission:

Labcorp Genetics (formerly Invitae), Labcorp
Classification: Uncertain significance for Familial hypocalciuric hypercalcemia; Autosomal dominant hypocalcemia 1. Last evaluated: 2023-10-10. Review status: criteria provided, single submitter. Criteria: Invitae Variant Classification Sherloc (09022015). Collection method: clinical testing. Allele origin: germline.
Comment: This sequence change replaces glutamic acid, which is acidic and polar, with valine, which is neutral and non-polar, at codon 249 of the CASR protein (p.Glu249Val). This variant is not present in population databases (gnomAD no frequency). This variant has not been reported in the literature in individuals affected with CASR-related conditions. ClinVar contains an entry for this variant (Variation ID: 2009102). An algorithm developed to predict the effect of missense changes on protein structure and function (PolyPhen-2) suggests that this variant is likely to be tolerated. In summary, the available evidence is currently insufficient to determine the role of this variant in disease. Therefore, it has been classified as a Variant of Uncertain Significance.

NM_000388.4(CASR):c.746A>T (p.Glu249Val)

Gene: CASR (calcium sensing receptor; plus strand). Cytogenetic location: 3q21.1.
Variant type: single nucleotide variant.
Coding change: c.746A>T on transcript NM_000388.4 (MANE Select); coding-DNA position 746, A replaced by T.
Protein change: p.Glu249Val; replaces glutamic acid 249 with valine.
Molecular consequence: missense variant.
Genome position (GRCh38, 1-based): chr3:122,261,781, A>T. VCF-style: chr3-122261781-A-T. GRCh37 (hg19) VCF-style: chr3-121980628-A-T.
Other names: c.746A>T, p.Glu249Val (NM_001178065.2); short protein forms E249V.
Identifiers: ClinVar variation 2009102 (VCV002009102.4), dbSNP rs2473226271, ClinGen allele CA354151266.